The following is an entry in ClinVar:

NM_015295.3(SMCHD1):c.3312G>C (p.Leu1104Phe)

Gene: SMCHD1 (structural maintenance of chromosomes flexible hinge domain containing 1; plus strand). Cytogenetic location: 18p11.32.
Variant type: single nucleotide variant.
Coding change: c.3312G>C on transcript NM_015295.3 (MANE Select); coding-DNA position 3312, G replaced by C.
Protein change: p.Leu1104Phe; replaces leucine 1104 with phenylalanine.
Molecular consequence: missense variant.
Genome position (GRCh38, 1-based): chr18:2,738,432, G>C. VCF-style: chr18-2738432-G-C. GRCh37 (hg19) VCF-style: chr18-2738430-G-C.
Other names: short protein forms L1104F.
Identifiers: ClinVar variation 282201 (VCV000282201.10), dbSNP rs886042340, ClinGen allele CA10604102.

ClinVar aggregate classification (germline): Uncertain significance. Review status: criteria provided, multiple submitters, no conflicts (2 of 4 stars). 2 submissions from 2 submitters: Uncertain significance (2). Last evaluated 2024-05-15.

Conditions:
Facioscapulohumeral muscular dystrophy 2 (FSHD2). Also called: MUSCULAR DYSTROPHY, FACIOSCAPULOHUMERAL, TYPE 1B; FACIOSCAPULOHUMERAL MUSCULAR DYSTROPHY 2, DIGENIC; FSHD2, DIGENIC. Identifiers: Orphanet 269, MedGen C1834671, MONDO:0008031, OMIM 158901.

Allele frequency attached by ClinVar (database versions not stated): gnomAD exomes below 0.00001 and 0.00001; gnomAD 0.00003 and 0.00004; TOPMed 0.00004.
gnomAD v4.1: 10 of 1,609,010 alleles (0.00062%); highest among the groups gnomAD compares: African/African-American, 0.004%; no homozygotes.

Submissions (2):

Labcorp Genetics (formerly Invitae), Labcorp
Classification: Uncertain significance for Facioscapulohumeral muscular dystrophy 2. Last evaluated: 2024-05-15. Review status: criteria provided, single submitter. Criteria: Invitae Variant Classification Sherloc (09022015). Collection method: clinical testing. Allele origin: germline.
Comment: This sequence change replaces leucine, which is neutral and non-polar, with phenylalanine, which is neutral and non-polar, at codon 1104 of the SMCHD1 protein (p.Leu1104Phe). This variant is present in population databases (no rsID available, gnomAD 0.004%). This variant has not been reported in the literature in individuals affected with SMCHD1-related conditions. ClinVar contains an entry for this variant (Variation ID: 282201). Advanced modeling of protein sequence and biophysical properties (such as structural, functional, and spatial information, amino acid conservation, physicochemical variation, residue mobility, and thermodynamic stability) has been performed at Invitae for this missense variant, however the output from this modeling did not meet the statistical confidence thresholds required to predict the impact of this variant on SMCHD1 protein function. In summary, the available evidence is currently insufficient to determine the role of this variant in disease. Therefore, it has been classified as a Variant of Uncertain Significance.

Eurofins Ntd Llc (ga)
Classification: Uncertain significance. Last evaluated: 2015-07-31. Review status: criteria provided, single submitter. Criteria: EGL Classification Definitions 2015. Collection method: clinical testing. Allele origin: germline. Observed: 3 variant alleles, 3 heterozygotes.